The following is an entry in ClinVar:

ClinVar aggregate classification (germline): Likely pathogenic (0 of 4 stars; one submission).

Conditions:
GNAS-related disorder. Identifiers: MedGen CN380105.

Submission:

PreventionGenetics, part of Exact Sciences
Classification: Likely pathogenic for GNAS-related condition. Last evaluated: 2024-02-05. Review status: no assertion criteria provided. Collection method: clinical testing. Allele origin: germline.
Comment: The GNAS c.420delT variant is predicted to result in a frameshift and premature protein termination (p.Phe140Leufs*32). To our knowledge, this variant has not been reported in the literature or in a large population database, indicating this variant is rare. Frameshift variants in GNAS are expected to be pathogenic. This variant is interpreted as likely pathogenic.

NM_000516.7(GNAS):c.420del (p.Phe140fs)

Gene: GNAS (GNAS complex locus; plus strand). Cytogenetic location: 20q13.32.
Variant type: Deletion.
Coding change: c.420del on transcript NM_000516.7 (MANE Select); coding-DNA position 420, one base deleted (T; older notation c.420delT).
Protein change: p.Phe140fs; shifts the reading frame from phenylalanine 140.
Molecular consequence: frameshift variant. On other transcripts: 3 prime UTR variant (2).
Genome position (GRCh38, 1-based): chr20:58,903,779, T deleted; the last of 3 consecutive T bases (chr20:58,903,777-58,903,779); deleting any one gives the same sequence. VCF-style (leftmost placement, unchanged base first): chr20-58903776-CT-C. GRCh37 (hg19) VCF-style: chr20-57478831-CT-C.
Other names: c.423del, p.Phe141fs (NM_001077488.5); c.375del, p.Phe125fs (NM_001077489.4); c.*281del (NM_001077490.3); c.243del, p.Phe81fs (NM_001309840.2, NM_001309861.2); c.324del, p.Phe108fs (NM_001410912.1); c.2304del, p.Phe768fs (NM_001410913.1); c.*326del (NM_016592.5); c.2349del, p.Phe783fs (NM_080425.4); and 1 more; short protein forms F108fs, F125fs, F126fs, F140fs, F141fs, F768fs, F783fs, F81fs.
Identifiers: ClinVar variation 3061249 (VCV003061249.2), dbSNP rs2517085749, ClinGen allele CA2740094605.